The following is an entry in ClinVar:

NM_006118.4(HAX1):c.409C>G (p.Gln137Glu)

Gene: HAX1 (HCLS1 associated protein X-1; plus strand). Cytogenetic location: 1q21.3.
Variant type: single nucleotide variant.
Coding change: c.409C>G on transcript NM_006118.4 (MANE Select); coding-DNA position 409, C replaced by G.
Protein change: p.Gln137Glu; replaces glutamine 137 with glutamic acid.
Molecular consequence: missense variant.
Genome position (GRCh38, 1-based): chr1:154,273,866, C>G. VCF-style: chr1-154273866-C-G. GRCh37 (hg19) VCF-style: chr1-154246342-C-G.
Other names: c.265C>G, p.Gln89Glu (NM_001018837.2); short protein forms Q137E, Q89E.
Identifiers: ClinVar variation 4858288 (VCV004858288.1).

ClinVar aggregate classification (germline): Uncertain significance (1 of 4 stars; one submission).

Conditions:
Inborn genetic diseases. Identifiers: MedGen C0950123, MeSH D030342.

Submission:

Ambry Genetics
Classification: Uncertain significance for Inborn genetic diseases. Last evaluated: 2026-06-06. Review status: criteria provided, single submitter. Criteria: Ambry Variant Classification Scheme 2023. Collection method: clinical testing. Allele origin: germline.
Comment: The p.Q137E variant (also known as c.409C>G), located in coding exon 3 of the HAX1 gene, results from a C to G substitution at nucleotide position 409. The glutamine at codon 137 is replaced by glutamic acid, an amino acid with highly similar properties. This amino acid position is conserved. In addition, this alteration is predicted to be tolerated by in silico analysis. Based on the available evidence, the clinical significance of this variant remains unclear.